The following is an entry in ClinVar:

NM_000069.3(CACNA1S):c.4242G>C (p.Lys1414Asn)

Gene: CACNA1S (calcium voltage-gated channel subunit alpha1 S; minus strand). Cytogenetic location: 1q32.1.
Variant type: single nucleotide variant.
Coding change: c.4242G>C on transcript NM_000069.3 (MANE Select); coding-DNA position 4242, G replaced by C.
Protein change: p.Lys1414Asn; replaces lysine 1414 with asparagine.
Molecular consequence: missense variant.
Genome position (GRCh38, 1-based): chr1:201,049,099, C>G on the plus strand (G>C on the coding strand, the complement: CACNA1S is on the minus strand). VCF-style: chr1-201049099-C-G. GRCh37 (hg19) VCF-style: chr1-201018227-C-G.
Other names: short protein forms K1414N.
Identifiers: ClinVar variation 3386305 (VCV003386305.1).

ClinVar aggregate classification (germline): Uncertain significance (1 of 4 stars; one submission).

Conditions:
Malignant hyperthermia, susceptibility to, 5 (MHS5). Also called: CACNA1S-Related Malignant Hyperthermia Susceptibility. Identifiers: Orphanet 423, MedGen C1866077, MONDO:0011163, OMIM 601887.

Submission:

All of Us Research Program, National Institutes of Health
Classification: Uncertain significance for Malignant hyperthermia, susceptibility to, 5. Last evaluated: 2024-04-25. Review status: criteria provided, single submitter. Criteria: ACMG Guidelines, 2015. Collection method: clinical testing. Allele origin: germline. Inheritance: Autosomal dominant inheritance. Observed: 1 variant allele, 1 heterozygote.
Comment: This missense variant replaces lysine with asparagine at codon 1414 of the CACNA1S protein. Computational prediction suggests that this variant may not impact protein structure and function (internally defined REVEL score threshold <= 0.5, PMID: 27666373). To our knowledge, functional studies have not been reported for this variant. This variant has not been reported in individuals affected with CACNA1S-related disorders in the literature. This variant has been identified in 1/241698 chromosomes in the general population by the Genome Aggregation Database (gnomAD). The available evidence is insufficient to determine the role of this variant in disease conclusively. Therefore, this variant is classified as a Variant of Uncertain Significance.

This study involves interpretation of variants in research participants for the purpose of population health screening. Participant phenotype was not available at the time of variant classification. Additional details can be found in publication PMID: 35346344, PMCID: PMC8962531